The following is an entry in ClinVar:

NM_020745.4(AARS2):c.1561C>T (p.Arg521Ter)

Gene: AARS2 (alanyl-tRNA synthetase 2, mitochondrial; minus strand). Cytogenetic location: 6p21.1.
Variant type: single nucleotide variant.
Coding change: c.1561C>T on transcript NM_020745.4 (MANE Select); coding-DNA position 1561, C replaced by T.
Protein change: p.Arg521Ter; replaces arginine 521 with a stop codon.
Molecular consequence: nonsense.
Genome position (GRCh38, 1-based): chr6:44,305,072, G>A on the plus strand (C>T on the coding strand, the complement: AARS2 is on the minus strand). VCF-style: chr6-44305072-G-A. GRCh37 (hg19) VCF-style: chr6-44272809-G-A.
Other names: short protein forms R521*.
Identifiers: ClinVar variation 143046 (VCV000143046.10), dbSNP rs587777591, ClinGen allele CA170064.

ClinVar aggregate classification (germline): Pathogenic. Review status: criteria provided, multiple submitters, no conflicts (2 of 4 stars). 4 submissions from 4 submitters: Pathogenic (3). 1 of the submissions does not count toward it. Last evaluated 2024-08-26.

Conditions:
Leukoencephalopathy, progressive, with ovarian failure (LKENP). Identifiers: Orphanet 99853, MedGen C4014588, MONDO:0014387, OMIM 615889.
Combined oxidative phosphorylation defect type 8. Also called: CARDIOMYOPATHY, HYPERTROPHIC MITOCHONDRIAL, FATAL INFANTILE. Identifiers: Orphanet 319504, MedGen C4518839, MONDO:0013570, OMIM 614096.

Allele frequency attached by ClinVar (database versions not stated): gnomAD exomes 0.00001; TOPMed below 0.00001; ExAC 0.00001.
gnomAD v4.1: 13 of 1,614,046 alleles (0.00081%); highest among the groups gnomAD compares: Admixed American, 0.0017%; no homozygotes.

Submissions (4):

Revvity Omics, Revvity
Classification: Pathogenic. Last evaluated: 2024-08-26. Review status: criteria provided, single submitter. Criteria: ACMG Guidelines, 2015. Collection method: clinical testing. Allele origin: germline.

Labcorp Genetics (formerly Invitae), Labcorp
Classification: Pathogenic. Last evaluated: 2022-08-23. Review status: criteria provided, single submitter. Criteria: Invitae Variant Classification Sherloc (09022015). Collection method: clinical testing. Allele origin: germline.
Comment: ClinVar contains an entry for this variant (Variation ID: 143046). This premature translational stop signal has been observed in individual(s) with AARS2-related conditions (PMID: 24808023, 29440775). This variant is present in population databases (rs587777591, gnomAD 0.002%). This sequence change creates a premature translational stop signal (p.Arg521*) in the AARS2 gene. It is expected to result in an absent or disrupted protein product. Loss-of-function variants in AARS2 are known to be pathogenic (PMID: 24808023, 30285085, 30819764). For these reasons, this variant has been classified as Pathogenic.

Institute of Human Genetics Munich, TUM University Hospital
Classification: Pathogenic for Combined oxidative phosphorylation defect type 8. Last evaluated: 2017-09-08. Review status: criteria provided, single submitter. Criteria: Classification criteria August 2017. Collection method: clinical testing. Allele origin: paternal. Inheritance: Autosomal recessive inheritance. Affected: yes. Observed: 2 compound heterozygotes.

OMIM
Classification: Pathogenic for LEUKOENCEPHALOPATHY, PROGRESSIVE, WITH OVARIAN FAILURE. Last evaluated: 2014-06-10. Review status: no assertion criteria provided. Collection method: literature only. Allele origin: germline. Not counted in ClinVar's aggregate classification.

Literature cited by the submitters: PubMed 24808023 (cited by Labcorp Genetics (formerly Invitae), Labcorp and OMIM); PubMed 29440775 (cited by Labcorp Genetics (formerly Invitae), Labcorp); PubMed 30285085 (cited by Labcorp Genetics (formerly Invitae), Labcorp); PubMed 30819764 (cited by Labcorp Genetics (formerly Invitae), Labcorp).